The following is an entry in ClinVar:

ClinVar aggregate classification (germline): Uncertain significance (1 of 4 stars; one submission).

Conditions:
RASopathy. Also called: rasopathies; Noonan spectrum disorder. Identifiers: Orphanet 536391, MedGen C5555857, MONDO:0021060.

Submission:

Labcorp Genetics (formerly Invitae), Labcorp
Classification: Uncertain significance for RASopathy. Last evaluated: 2025-01-23. Review status: criteria provided, single submitter. Criteria: Invitae Variant Classification Sherloc (09022015). Collection method: clinical testing. Allele origin: germline.
Comment: This sequence change replaces tyrosine, which is neutral and polar, with cysteine, which is neutral and slightly polar, at codon 411 of the RAF1 protein (p.Tyr411Cys). This variant is not present in population databases (gnomAD no frequency). This variant has not been reported in the literature in individuals affected with RAF1-related conditions. Invitae Evidence Modeling of protein sequence and biophysical properties (such as structural, functional, and spatial information, amino acid conservation, physicochemical variation, residue mobility, and thermodynamic stability) indicates that this missense variant is expected to disrupt RAF1 protein function with a positive predictive value of 95%. In summary, the available evidence is currently insufficient to determine the role of this variant in disease. Therefore, it has been classified as a Variant of Uncertain Significance.

NM_002880.4(RAF1):c.1232A>G (p.Tyr411Cys)

Gene: RAF1 (Raf-1 proto-oncogene, serine/threonine kinase; minus strand). Cytogenetic location: 3p25.2.
Variant type: single nucleotide variant.
Coding change: c.1232A>G on transcript NM_002880.4 (MANE Select); coding-DNA position 1232, A replaced by G.
Protein change: p.Tyr411Cys; replaces tyrosine 411 with cysteine.
Molecular consequence: missense variant. On other transcripts: non-coding transcript variant (3).
Genome position (GRCh38, 1-based): chr3:12,590,936, T>C on the plus strand (A>G on the coding strand, the complement: RAF1 is on the minus strand). VCF-style: chr3-12590936-T-C. GRCh37 (hg19) VCF-style: chr3-12632435-T-C.
Other names: c.1292A>G, p.Tyr431Cys (NM_001354689.3); c.1232A>G, p.Tyr411Cys (NM_001354690.3); c.989A>G, p.Tyr330Cys (NM_001354691.3, NM_001354692.3); c.1133A>G, p.Tyr378Cys (NM_001354693.3); c.1049A>G, p.Tyr350Cys (NM_001354694.3); c.890A>G, p.Tyr297Cys (NM_001354695.3); short protein forms Y297C, Y330C, Y350C, Y378C, Y411C, Y431C.
Identifiers: ClinVar variation 3611185 (VCV003611185.2).